The following is an entry in ClinVar:

NM_001378457.1(DMXL2):c.7535A>T (p.His2512Leu)

Gene: DMXL2 (Dmx like 2; minus strand). Cytogenetic location: 15q21.2.
Variant type: single nucleotide variant.
Coding change: c.7535A>T on transcript NM_001378457.1 (MANE Select); coding-DNA position 7535, A replaced by T.
Protein change: p.His2512Leu; replaces histidine 2512 with leucine.
Molecular consequence: missense variant. On other transcripts: non-coding transcript variant (2), intron variant (1).
Genome position (GRCh38, 1-based): chr15:51,465,637, T>A on the plus strand (A>T on the coding strand, the complement: DMXL2 is on the minus strand). VCF-style: chr15-51465637-T-A. GRCh37 (hg19) VCF-style: chr15-51757834-T-A.
Other names: c.7535A>T, p.His2512Leu (NM_001174116.3, NM_001378461.1, NM_001378463.1); c.5624A>T, p.His1875Leu (NM_001174117.3); c.7532A>T, p.His2511Leu (NM_001378458.1, NM_001378462.1, NM_015263.5); c.5513A>T, p.His1838Leu (NM_001378460.1); c.7292A>T, p.His2431Leu (NM_001378464.1); c.7520+547A>T (NM_001378459.1); short protein forms H2511L, H2512L, H1875L, H2431L, H1838L.
Identifiers: ClinVar variation 2073792 (VCV002073792.4), dbSNP rs559189714, ClinGen allele CA392439610.

ClinVar aggregate classification (germline): Uncertain significance (1 of 4 stars; one submission).

Submission:

Labcorp Genetics (formerly Invitae), Labcorp
Classification: Uncertain significance. Last evaluated: 2022-01-04. Review status: criteria provided, single submitter. Criteria: Invitae Variant Classification Sherloc (09022015). Collection method: clinical testing. Allele origin: germline.
Comment: This variant is not present in population databases (gnomAD no frequency). This sequence change replaces histidine, which is basic and polar, with leucine, which is neutral and non-polar, at codon 2512 of the DMXL2 protein (p.His2512Leu). In summary, the available evidence is currently insufficient to determine the role of this variant in disease. Therefore, it has been classified as a Variant of Uncertain Significance. This variant has not been reported in the literature in individuals affected with DMXL2-related conditions. Algorithms developed to predict the effect of missense changes on protein structure and function are either unavailable or do not agree on the potential impact of this missense change (SIFT: "Tolerated"; PolyPhen-2: "Possibly Damaging"; Align-GVGD: "Class C0").